The following is an entry in ClinVar:

NM_024422.6(DSC2):c.990T>A (p.Gly330=)

Gene: DSC2 (desmocollin 2; minus strand). Cytogenetic location: 18q12.1.
Variant type: single nucleotide variant.
Coding change: c.990T>A on transcript NM_024422.6 (MANE Select); coding-DNA position 990, T replaced by A.
Protein change: p.Gly330=; no amino-acid change (glycine 330 retained).
Molecular consequence: synonymous variant.
Genome position (GRCh38, 1-based): chr18:31,083,013, A>T on the plus strand (T>A on the coding strand, the complement: DSC2 is on the minus strand). VCF-style: chr18-31083013-A-T. GRCh37 (hg19) VCF-style: chr18-28662979-A-T.
Other names: c.561T>A, p.Gly187= (NM_001406506.1, NM_001406507.1); c.990T>A, p.Gly330= (NM_004949.5).
Identifiers: ClinVar variation 3072938 (VCV003072938.1), dbSNP rs1396481707, ClinGen allele CA503387744.

ClinVar aggregate classification (germline): Likely benign (1 of 4 stars; one submission).

Conditions:
Familial isolated arrhythmogenic right ventricular dysplasia. Identifiers: Orphanet 217656, MedGen C4274968, MONDO:0016342.

Submission:

All of Us Research Program, National Institutes of Health
Classification: Likely benign for Familial isolated arrhythmogenic right ventricular dysplasia. Last evaluated: 2023-08-15. Review status: criteria provided, single submitter. Criteria: ACMG Guidelines, 2015. Collection method: clinical testing. Allele origin: germline. Inheritance: Autosomal dominant inheritance. Observed: 1 variant allele, 1 heterozygote.
Comment: This study involves interpretation of variants in research participants for the purpose of population health screening. Participant phenotype was not available at the time of variant classification. Additional details can be found in publication PMID: 35346344, PMCID: PMC8962531